The following is an entry in ClinVar:

ClinVar aggregate classification (germline): Uncertain significance (1 of 4 stars; one submission).

Conditions:
Hereditary cancer-predisposing syndrome. Also called: Neoplastic Syndromes, Hereditary; Tumor predisposition; Hereditary neoplastic syndrome; Hereditary Cancer Syndrome. Identifiers: Orphanet 140162, MedGen C0027672, MeSH D009386, MONDO:0015356.

Submission:

Ambry Genetics
Classification: Uncertain significance for Hereditary cancer-predisposing syndrome. Last evaluated: 2026-07-07. Review status: criteria provided, single submitter. Criteria: Ambry Variant Classification Scheme 2023. Collection method: clinical testing. Allele origin: germline.
Comment: The p.E379D variant (also known as c.1137A>C), located in coding exon 7 of the BRIP1 gene, results from an A to C substitution at nucleotide position 1137. The glutamic acid at codon 379 is replaced by aspartic acid, an amino acid with highly similar properties. This amino acid position is conserved. In addition, this alteration is predicted to be tolerated by in silico analysis. Based on the available evidence, the clinical significance of this variant remains unclear.

NM_032043.3(BRIP1):c.1137A>C (p.Glu379Asp)

Gene: BRIP1 (BRCA1 interacting DNA helicase 1; minus strand). Cytogenetic location: 17q23.2.
Variant type: single nucleotide variant.
Coding change: c.1137A>C on transcript NM_032043.3 (MANE Select); coding-DNA position 1137, A replaced by C.
Protein change: p.Glu379Asp; replaces glutamic acid 379 with aspartic acid.
Molecular consequence: missense variant.
Genome position (GRCh38, 1-based): chr17:61,801,256, T>G on the plus strand (A>C on the coding strand, the complement: BRIP1 is on the minus strand). VCF-style: chr17-61801256-T-G. GRCh37 (hg19) VCF-style: chr17-59878617-T-G.
Other names: short protein forms E379D.
Identifiers: ClinVar variation 5033417 (VCV005033417.1).